The following is an entry in ClinVar:

ClinVar aggregate classification (germline): Uncertain significance (1 of 4 stars; one submission).

Submission:

GeneDx
Classification: Uncertain significance. Last evaluated: 2026-04-07. Review status: criteria provided, single submitter. Criteria: GeneDx Variant Classification Process June 2021. Collection method: clinical testing. Allele origin: germline.
Comment: Not observed at significant frequency in large population cohorts (gnomAD); In silico analysis suggests that this missense variant does not alter protein structure/function; Has not been previously published as pathogenic or benign to our knowledge

NM_020442.6(VARS2):c.2214G>C (p.Glu738Asp)

Genes: VARS2 (valyl-tRNA synthetase 2, mitochondrial; plus strand), LOC126859646 (MED14-independent group 3 enhancer GRCh37_chr6:30889690-30890889; plus strand). Cytogenetic location: 6p21.33.
Variant type: single nucleotide variant.
Coding change: c.2214G>C on transcript NM_020442.6 (MANE Select); coding-DNA position 2214, G replaced by C.
Protein change: p.Glu738Asp; replaces glutamic acid 738 with aspartic acid.
Molecular consequence: missense variant.
Genome position (GRCh38, 1-based): chr6:30,923,132, G>C. VCF-style: chr6-30923132-G-C. GRCh37 (hg19) VCF-style: chr6-30890909-G-C.
Other names: c.1794G>C, p.Glu598Asp (NM_001167733.3); c.2304G>C, p.Glu768Asp (NM_001167734.2); short protein forms E598D, E738D, E768D.
Identifiers: ClinVar variation 5018308 (VCV005018308.1).